The following is an entry in ClinVar:

NM_018060.4(IARS2):c.740C>T (p.Pro247Leu)

Gene: IARS2 (isoleucyl-tRNA synthetase 2, mitochondrial; plus strand). Cytogenetic location: 1q41.
Variant type: single nucleotide variant.
Coding change: c.740C>T on transcript NM_018060.4 (MANE Select); coding-DNA position 740, C replaced by T.
Protein change: p.Pro247Leu; replaces proline 247 with leucine.
Molecular consequence: missense variant.
Genome position (GRCh38, 1-based): chr1:220,102,403, C>T. VCF-style: chr1-220102403-C-T. GRCh37 (hg19) VCF-style: chr1-220275745-C-T.
Other names: p.Pro247Leu; c.740C>T (NM_018060.3); short protein forms P247L.
Identifiers: ClinVar variation 1383501 (VCV001383501.6), dbSNP rs780062054, ClinGen allele CA1401200.

ClinVar aggregate classification (germline): Uncertain significance. Review status: criteria provided, multiple submitters, no conflicts (2 of 4 stars). 3 submissions from 3 submitters: Uncertain significance (3). Last evaluated 2025-09-24.

Conditions:
Inborn genetic diseases. Identifiers: MedGen C0950123, MeSH D030342.

Allele frequency attached by ClinVar (database versions not stated): ExAC 0.00002; gnomAD 0.00002; gnomAD exomes 0.00003 and 0.00005; TOPMed 0.00005.
gnomAD v4.1: 77 of 1,613,534 alleles (0.0048%); highest among the groups gnomAD compares: Middle Eastern, 0.033%; no homozygotes.

Submissions (3):

Mayo Clinic Laboratories, Mayo Clinic
Classification: Uncertain significance. Last evaluated: 2025-09-24. Review status: criteria provided, single submitter. Criteria: ACMG Guidelines, 2015. Collection method: clinical testing. Allele origin: germline. Observed: 1 variant allele.
Comment: PM2_supporting

Labcorp Genetics (formerly Invitae), Labcorp
Classification: Uncertain significance. Last evaluated: 2025-09-02. Review status: criteria provided, single submitter. Criteria: Invitae Variant Classification Sherloc (09022015). Collection method: clinical testing. Allele origin: germline.
Comment: This sequence change replaces proline, which is neutral and non-polar, with leucine, which is neutral and non-polar, at codon 247 of the IARS2 protein (p.Pro247Leu). This variant is present in population databases (rs780062054, gnomAD 0.01%). This variant has not been reported in the literature in individuals affected with IARS2-related conditions. ClinVar contains an entry for this variant (Variation ID: 1383501). An algorithm developed to predict the effect of missense changes on protein structure and function (PolyPhen-2) suggests that this variant is likely to be disruptive. Algorithms developed to predict the effect of sequence changes on RNA splicing suggest that this variant may disrupt the consensus splice site. In summary, the available evidence is currently insufficient to determine the role of this variant in disease. Therefore, it has been classified as a Variant of Uncertain Significance.

Ambry Genetics
Classification: Uncertain significance for Inborn genetic diseases. Last evaluated: 2023-12-19. Review status: criteria provided, single submitter. Criteria: Ambry Variant Classification Scheme 2023. Collection method: clinical testing. Allele origin: germline.